The following is an entry in ClinVar:

ClinVar aggregate classification (germline): Uncertain significance. Review status: criteria provided, multiple submitters, no conflicts (2 of 4 stars). 2 submissions from 2 submitters: Uncertain significance (2). Last evaluated 2025-11-03.

Conditions:
Inborn genetic diseases. Identifiers: MedGen C0950123, MeSH D030342.

Allele frequency attached by ClinVar (database versions not stated): gnomAD 0.00001; TOPMed 0.00001; 1000 Genomes Project 0.00020; 1000 Genomes Project 30x 0.00016.
gnomAD v4.1: 13 of 1,613,934 alleles (0.00081%); highest among the groups gnomAD compares: East Asian, 0.0045%; no homozygotes.

Submissions (2):

Ambry Genetics
Classification: Uncertain significance for Inborn genetic diseases. Last evaluated: 2025-11-03. Review status: criteria provided, single submitter. Criteria: Ambry Variant Classification Scheme 2023. Collection method: clinical testing. Allele origin: germline.

Labcorp Genetics (formerly Invitae), Labcorp
Classification: Uncertain significance. Last evaluated: 2023-09-14. Review status: criteria provided, single submitter. Criteria: Invitae Variant Classification Sherloc (09022015). Collection method: clinical testing. Allele origin: germline.
Comment: This sequence change replaces arginine, which is basic and polar, with glutamine, which is neutral and polar, at codon 182 of the C6 protein (p.Arg182Gln). This variant is present in population databases (rs201513771, gnomAD 0.006%). This variant has not been reported in the literature in individuals affected with C6-related conditions. ClinVar contains an entry for this variant (Variation ID: 1495660). Algorithms developed to predict the effect of missense changes on protein structure and function output the following: SIFT: "Not Available"; PolyPhen-2: "Benign"; Align-GVGD: "Not Available". The glutamine amino acid residue is found in multiple mammalian species, which suggests that this missense change does not adversely affect protein function. In summary, the available evidence is currently insufficient to determine the role of this variant in disease. Therefore, it has been classified as a Variant of Uncertain Significance.

NM_000065.5(C6):c.545G>A (p.Arg182Gln)

Gene: C6 (complement C6; minus strand). Cytogenetic location: 5p13.1.
Variant type: single nucleotide variant.
Coding change: c.545G>A on transcript NM_000065.5 (MANE Select); coding-DNA position 545, G replaced by A.
Protein change: p.Arg182Gln; replaces arginine 182 with glutamine.
Molecular consequence: missense variant.
Genome position (GRCh38, 1-based): chr5:41,195,834, C>T on the plus strand (G>A on the coding strand, the complement: C6 is on the minus strand). VCF-style: chr5-41195834-C-T. GRCh37 (hg19) VCF-style: chr5-41195936-C-T.
Other names: c.545G>A, p.Arg182Gln (NM_001115131.4); c.545G>A (NM_000065.2); short protein forms R182Q.
Identifiers: ClinVar variation 1495660 (VCV001495660.7), dbSNP rs201513771, ClinGen allele CA3252751.
Genomic context (GRCh38, chr5:41,195,834, plus strand): 5'-TAAAAAGATGTTACATACCCATTGCCCATCAACTGTACACTAGGGATGGGATTATACTTC[C>T]GTGTGCATACTGCCTTTGTCCTCCCACAGTCCCTTTCATCTGAATTGTCTCCACAGTCAT-3'
Protein context (NP_000056.2, residues 172-192): DCGRTKAVCT[Arg182Gln]KYNPIPSVQL